The following is an entry in ClinVar:

NM_005591.4(MRE11):c.1987G>T (p.Asp663Tyr)

Gene: MRE11 (MRE11 double strand break repair nuclease; minus strand). Cytogenetic location: 11q21.
Variant type: single nucleotide variant.
Coding change: c.1987G>T on transcript NM_005591.4 (MANE Select); coding-DNA position 1987, G replaced by T.
Protein change: p.Asp663Tyr; replaces aspartic acid 663 with tyrosine.
Molecular consequence: missense variant.
Genome position (GRCh38, 1-based): chr11:94,435,839, C>A on the plus strand (G>T on the coding strand, the complement: MRE11 is on the minus strand). VCF-style: chr11-94435839-C-A. GRCh37 (hg19) VCF-style: chr11-94169005-C-A.
Other names: c.1984G>T, p.Asp662Tyr (NM_001330347.2); c.1903G>T, p.Asp635Tyr (NM_005590.4); short protein forms D635Y, D662Y, D663Y.
Identifiers: ClinVar variation 1799661 (VCV001799661.2), dbSNP rs1329286592, ClinGen allele CA382374030.

ClinVar aggregate classification (germline): Uncertain significance (1 of 4 stars; one submission).

Conditions:
Hereditary cancer-predisposing syndrome. Also called: Neoplastic Syndromes, Hereditary; Tumor predisposition; Hereditary Cancer Syndrome; Hereditary neoplastic syndrome. Identifiers: Orphanet 140162, MedGen C0027672, MeSH D009386, MONDO:0015356.

gnomAD v4.1: 1 of 1,612,912 alleles (0.000062%); highest among the groups gnomAD compares: East Asian, 0.0022%; no homozygotes.

Submission:

Ambry Genetics
Classification: Uncertain significance for Hereditary cancer-predisposing syndrome. Last evaluated: 2017-10-18. Review status: criteria provided, single submitter. Criteria: Ambry Variant Classification Scheme 2023. Collection method: clinical testing. Allele origin: germline.
Comment: The p.D663Y variant (also known as c.1987G>T), located in coding exon 17 of the MRE11A gene, results from a G to T substitution at nucleotide position 1987. The aspartic acid at codon 663 is replaced by tyrosine, an amino acid with highly dissimilar properties. This amino acid position is not well conserved in available vertebrate species. In addition, this alteration is predicted to be tolerated by in silico analysis. Since supporting evidence is limited at this time, the clinical significance of this alteration remains unclear.